The following is an entry in ClinVar:

ClinVar aggregate classification (germline): Pathogenic/Likely pathogenic. Review status: criteria provided, multiple submitters, no conflicts (2 of 4 stars). 6 submissions from 6 submitters: Pathogenic (1); Likely pathogenic (3). 2 of the submissions do not count toward it. Last evaluated 2025-11-26.

Conditions:
Metachromatic leukodystrophy (MLD). Also called: ARSA DEFICIENCY; CEREBROSIDE SULFATASE DEFICIENCY; METACHROMATIC LEUKOENCEPHALOPATHY; Cerebral sclerosis diffuse metachromatic form; Arylsulfatase A Deficiency; SULFATIDE LIPIDOSIS. Identifiers: Orphanet 512, MedGen C0023522, MONDO:0018868, OMIM 250100.

Allele frequency attached by ClinVar (database versions not stated): TOPMed 0.00001.

Submissions (6):

Labcorp Genetics (formerly Invitae), Labcorp
Classification: Pathogenic for Metachromatic leukodystrophy. Last evaluated: 2025-11-26. Review status: criteria provided, single submitter. Criteria: Invitae Variant Classification Sherloc (09022015). Collection method: clinical testing. Allele origin: germline.
Comment: This sequence change replaces histidine, which is basic and polar, with aspartic acid, which is acidic and polar, at codon 140 of the ARSA protein (p.His140Asp). This variant is present in population databases (rs199476358, gnomAD 0.003%). This missense change has been observed in individual(s) with metachromatic leukodystrophy (PMID: 18786133, 33855715; internal data). In at least one individual the data is consistent with being in trans (on the opposite chromosome) from a pathogenic variant. This variant is also known as c.412C>G (His138Asp) in literature. ClinVar contains an entry for this variant (Variation ID: 68132). Invitae Evidence Modeling of protein sequence and biophysical properties (such as structural, functional, and spatial information, amino acid conservation, physicochemical variation, residue mobility, and thermodynamic stability) has been performed for this missense variant. However, the output from this modeling did not meet the statistical confidence thresholds required to predict the impact of this variant on ARSA protein function. Experimental studies have shown that this missense change affects ARSA function (PMID: 19606494). For these reasons, this variant has been classified as Pathogenic.

Natera, Inc.
Classification: Likely pathogenic for Metachromatic leukodystrophy. Last evaluated: 2025-06-05. Review status: criteria provided, single submitter. Criteria: Natera Variant Classification Schema (03/2026). Collection method: clinical testing. Allele origin: germline.
Comment: The c.418C>G variant in ARSA is a missense variant predicted to cause substitution of histidine to aspartic acid at amino acid 140. This variant is rare in the general population with a frequency below the threshold expected for the associated phenotype(s). This variant has been observed in one or more individuals affected with the associated recessive disease, as either homozygous or compound heterozygous with a second variant (PMID: 18786133, 33855715). Computational prediction algorithms indicate this variant is likely to affect gene or protein function. Given the available evidence, this variant is classified as Likely Pathogenic.

Revvity Omics, Revvity
Classification: Likely pathogenic for Metachromatic leukodystrophy. Last evaluated: 2022-07-07. Review status: criteria provided, single submitter. Criteria: ACMG Guidelines, 2015. Collection method: clinical testing. Allele origin: germline.

Women's Health and Genetics/Laboratory Corporation of America, LabCorp
Classification: Likely pathogenic for Metachromatic leukodystrophy. Last evaluated: 2021-09-15. Review status: criteria provided, single submitter. Criteria: LabCorp Variant Classification Summary - May 2015. Collection method: clinical testing. Allele origin: germline.
Comment: Variant summary: ARSA c.418C>G (p.His140Asp) results in a non-conservative amino acid change located in the Sulfatase, N-terminal domain (IPR000917) of the encoded protein sequence. Three of five in-silico tools predict a damaging effect of the variant on protein function. The variant allele was found at a frequency of 1.3e-05 in 238808 control chromosomes (gnomAD). c.418C>G has been reported in the literature in at least one individual affected with Metachromatic Leukodystrophy (Biffi_2008). Experimental evidence evaluating an impact on protein function demonstrated the variant results in low residual enzyme activity (Cesani_2009). One ClinVar submitter (evaluation after 2014) cites the variant as likely pathogenic and another ClinVar submitter (evaluation after 2014) cites it as uncertain significance. Based on the evidence outlined above, the variant was classified as likely pathogenic.

Counsyl
Classification: Uncertain significance for Metachromatic leukodystrophy. Last evaluated: 2017-05-26. Review status: no assertion criteria provided. Collection method: clinical testing. Allele origin: unknown. Not counted in ClinVar's aggregate classification.

UniProtKB/Swiss-Prot
No classification provided. Review status: no classification provided. Collection method: not provided. Allele origin: not provided. Not counted in ClinVar's aggregate classification.

Literature cited by the submitters: PubMed 18786133 (cited by 4 submitters); PubMed 33855715 (cited by 3 submitters); PubMed 19606494 (cited by 3 submitters).

NM_000487.6(ARSA):c.418C>G (p.His140Asp)

Gene: ARSA (arylsulfatase A; minus strand). Cytogenetic location: 22q13.33.
Variant type: single nucleotide variant.
Coding change: c.418C>G on transcript NM_000487.6 (MANE Select); coding-DNA position 418, C replaced by G.
Protein change: p.His140Asp; replaces histidine 140 with aspartic acid.
Molecular consequence: missense variant.
Genome position (GRCh38, 1-based): chr22:50,627,213, G>C on the plus strand (C>G on the coding strand, the complement: ARSA is on the minus strand). VCF-style: chr22-50627213-G-C. GRCh37 (hg19) VCF-style: chr22-51065641-G-C.
Other names: c.418C>G, p.His140Asp (NM_001085425.3, NM_001085426.3, NM_001085427.3); c.160C>G, p.His54Asp (NM_001085428.3, NM_001362782.2); short protein forms H140D, H54D.
Identifiers: ClinVar variation 68132 (VCV000068132.16), dbSNP rs199476358, ClinGen allele CA219020.